The following is an entry in ClinVar:

ClinVar aggregate classification (germline): Uncertain significance. Review status: criteria provided, multiple submitters, no conflicts (2 of 4 stars). 2 submissions from 2 submitters: Uncertain significance (2). Last evaluated 2025-04-24.

Conditions:
Familial hypoparathyroidism. Also called: Familial isolated hypoparathyroidism. Identifiers: Orphanet 2238, MedGen C1832648, MONDO:0016390.

Allele frequency attached by ClinVar (database versions not stated): TOPMed 0.00003.
gnomAD v4.1: 14 of 1,612,866 alleles (0.00087%); highest among the groups gnomAD compares: East Asian, 0.027%; no homozygotes.

Submissions (2):

Labcorp Genetics (formerly Invitae), Labcorp
Classification: Uncertain significance. Last evaluated: 2025-04-24. Review status: criteria provided, single submitter. Criteria: Invitae Variant Classification Sherloc (09022015). Collection method: clinical testing. Allele origin: germline.
Comment: This sequence change replaces lysine, which is basic and polar, with glutamic acid, which is acidic and polar, at codon 388 of the GCM2 protein (p.Lys388Glu). This variant is present in population databases (rs759712994, gnomAD 0.03%). This missense change has been observed in individual(s) with hyperparathyroidism (PMID: 29264504, 33471711). ClinVar contains an entry for this variant (Variation ID: 905291). Invitae Evidence Modeling of protein sequence and biophysical properties (such as structural, functional, and spatial information, amino acid conservation, physicochemical variation, residue mobility, and thermodynamic stability) has been performed for this missense variant. However, the output from this modeling did not meet the statistical confidence thresholds required to predict the impact of this variant on GCM2 protein function. In summary, the available evidence is currently insufficient to determine the role of this variant in disease. Therefore, it has been classified as a Variant of Uncertain Significance.

Illumina Laboratory Services, Illumina
Classification: Uncertain significance for Hypoparathyroidism, familial isolated 1. Last evaluated: 2018-04-20. Review status: criteria provided, single submitter. Criteria: ICSL Variant Classification Criteria 13 December 2019. Collection method: clinical testing. Allele origin: germline.

Literature cited by the submitters: PubMed 29264504 (cited by Labcorp Genetics (formerly Invitae), Labcorp); PubMed 33471711 (cited by Labcorp Genetics (formerly Invitae), Labcorp).

NM_004752.4(GCM2):c.1162A>G (p.Lys388Glu)

Gene: GCM2 (glial cells missing transcription factor 2; minus strand). Cytogenetic location: 6p24.2.
Variant type: single nucleotide variant.
Coding change: c.1162A>G on transcript NM_004752.4 (MANE Select); coding-DNA position 1162, A replaced by G.
Protein change: p.Lys388Glu; replaces lysine 388 with glutamic acid.
Molecular consequence: missense variant.
Genome position (GRCh38, 1-based): chr6:10,874,354, T>C on the plus strand (A>G on the coding strand, the complement: GCM2 is on the minus strand). VCF-style: chr6-10874354-T-C. GRCh37 (hg19) VCF-style: chr6-10874587-T-C.
Other names: short protein forms K388E.
Identifiers: ClinVar variation 905291 (VCV000905291.5), dbSNP rs759712994, ClinGen allele CA3633938.